The following is an entry in ClinVar:

ClinVar aggregate classification (germline): Conflicting classifications of pathogenicity. Review status: criteria provided, conflicting classifications (1 of 4 stars). 4 submissions from 4 submitters: Likely pathogenic (1); Uncertain significance (2). 1 of the submissions does not count toward it. Last evaluated 2023-10-17.

Conditions:
Cone-rod dystrophy 18 (CORD18). Identifiers: Orphanet 1872, MedGen C3809299, MONDO:0014153, OMIM 615374.
RAB28-related disorder. Also called: RAB28-related condition.

Allele frequency attached by ClinVar (database versions not stated): gnomAD exomes 0.00002 and 0.00003; ExAC 0.00007.

Submissions (4):

3billion
Classification: Uncertain significance for Cone-rod dystrophy 18. Last evaluated: 2023-10-17. Review status: criteria provided, single submitter. Criteria: ACMG Guidelines, 2015. Collection method: clinical testing. Allele origin: germline. Affected: yes.
Comment: The variant is observed at an extremely low frequency in the gnomAD v2.1.1 dataset (total allele frequency: 0.003%). Predicted Consequence/Location: The majority of the known disease-causing variants of this gene are variants expected to result in premature termination of the protein. Premature termination of the protein is a common disease-causing mechanism for this gene. Therefore, this variant is classified as VUS according to the recommendation of ACMG/AMP guideline.

Blueprint Genetics
Classification: Likely pathogenic for RAB28-related disorders. Last evaluated: 2022-01-24. Review status: criteria provided, single submitter. Criteria: ACMG Guidelines, 2015. Collection method: clinical testing. Allele origin: germline. Affected: yes. Observed: 2 variant alleles.

GeneDx
Classification: Uncertain significance. Last evaluated: 2020-12-01. Review status: criteria provided, single submitter. Criteria: GeneDx Variant Classification Process June 2021. Collection method: clinical testing. Allele origin: germline. Affected: yes.
Comment: In silico analysis supports that this missense variant has a deleterious effect on protein structure/function; This variant is associated with the following publications: (PMID: 28388261)

Department of Laboratory Medicine, Jeonbuk National University Hospital
Classification: Likely pathogenic for Cone-rod dystrophy 18. Last evaluated: 2024-06-06. Review status: no assertion criteria provided. Collection method: clinical testing. Allele origin: de novo. Inheritance: Autosomal recessive inheritance. Affected: yes. Observed: 1 compound heterozygote. Not counted in ClinVar's aggregate classification.

NM_001017979.3(RAB28):c.68C>T (p.Ser23Phe)

Genes: RAB28 (RAB28, member RAS oncogene family; minus strand), LOC111828517 (Sharpr-MPRA regulatory regions 1971 and 3941; plus strand). Cytogenetic location: 4p15.33.
Variant type: single nucleotide variant.
Coding change: c.68C>T on transcript NM_001017979.3 (MANE Select); coding-DNA position 68, C replaced by T.
Protein change: p.Ser23Phe; replaces serine 23 with phenylalanine.
Molecular consequence: missense variant.
Genome position (GRCh38, 1-based): chr4:13,484,083, G>A on the plus strand (C>T on the coding strand, the complement: RAB28 is on the minus strand). VCF-style: chr4-13484083-G-A. GRCh37 (hg19) VCF-style: chr4-13485707-G-A.
Other names: c.68C>T (NM_001017979.2); c.68C>T, p.Ser23Phe (NM_001159601.2, NM_004249.4); short protein forms S23F.
Identifiers: ClinVar variation 1302545 (VCV001302545.5), dbSNP rs769199865, ClinGen allele CA2860239.